The following is an entry in ClinVar:

ClinVar aggregate classification (germline): Pathogenic. Review status: criteria provided, multiple submitters, no conflicts (2 of 4 stars). 4 submissions from 4 submitters: Pathogenic (4). Last evaluated 2025-07-21.

Conditions:
MEIS2-related disorder.
Cardiac malformation, cleft lip/palate, microcephaly, and digital anomalies. Also called: CLEFT PALATE, CARDIAC DEFECTS, AND IMPAIRED INTELLECTUAL DEVELOPMENT. Identifiers: MedGen C1832950, MONDO:0010970, OMIM 600987.
Inborn genetic diseases. Identifiers: MedGen C0950123, MeSH D030342.

Submissions (4):

GeneDx
Classification: Pathogenic. Last evaluated: 2025-07-21. Review status: criteria provided, single submitter. Criteria: GeneDx Variant Classification Process June 2021. Collection method: clinical testing. Allele origin: germline. Affected: yes.
Comment: Nonsense variant predicted to result in protein truncation or nonsense mediated decay in a gene for which loss of function is a known mechanism of disease; Not observed at significant frequency in large population cohorts (gnomAD); This variant is associated with the following publications: (PMID: 31452935, 30735726, 35982160, 36368308, 35982159)

Genomic Medicine Lab, University of California San Francisco
Classification: Pathogenic for Cardiac malformation, cleft lip/palate, microcephaly, and digital anomalies. Last evaluated: 2023-04-27. Review status: criteria provided, single submitter. Criteria: ACMG Guidelines, 2015. Collection method: clinical testing. Allele origin: maternal. Affected: yes.

Ambry Genetics
Classification: Pathogenic for Inborn genetic diseases. Last evaluated: 2023-01-25. Review status: criteria provided, single submitter. Criteria: Ambry Variant Classification Scheme 2023. Collection method: clinical testing. Allele origin: germline.
Comment: The c.520C>T (p.R174*) alteration, located in exon 6 (coding exon 6) of the MEIS2 gene, consists of a C to T substitution at nucleotide position 520. This changes the amino acid from an arginine (R) to a stop codon at amino acid position 174. This alteration is expected to result in loss of function by premature protein truncation or nonsense-mediated mRNA decay. This variant was not reported in population-based cohorts in the Genome Aggregation Database (gnomAD). This variant has been reported to be de novo in one individual with cardiac defects, intellectual disability, dysmorphic facial features, and gastroesophageal reflux (Giliberti, 2020). Based on the available evidence, this alteration is classified as pathogenic.

Blueprint Genetics
Classification: Pathogenic for MEIS2-related disorders. Last evaluated: 2019-06-14. Review status: criteria provided, single submitter. Criteria: ACMG Guidelines, 2015. Collection method: clinical testing. Allele origin: de novo. Affected: yes. Observed: 1 variant allele.

Literature cited by the submitters: PubMed 30735726 (cited by Ambry Genetics).

NM_170675.5(MEIS2):c.520C>T (p.Arg174Ter)

Gene: MEIS2 (Meis homeobox 2; minus strand). Cytogenetic location: 15q14.
Variant type: single nucleotide variant.
Coding change: c.520C>T on transcript NM_170675.5 (MANE Select); coding-DNA position 520, C replaced by T.
Protein change: p.Arg174Ter; replaces arginine 174 with a stop codon.
Molecular consequence: nonsense. On other transcripts: non-coding transcript variant (1).
Genome position (GRCh38, 1-based): chr15:37,093,700, G>A on the plus strand (C>T on the coding strand, the complement: MEIS2 is on the minus strand). VCF-style: chr15-37093700-G-A. GRCh37 (hg19) VCF-style: chr15-37385901-G-A.
Other names: c.520C>T, p.Arg174Ter (NM_001220482.2, NM_170674.5, NM_170676.5 and 1 more transcripts); c.481C>T, p.Arg161Ter (NM_002399.4, NM_172315.3); c.256C>T, p.Arg86Ter (NM_172316.3); c.520C>T (NM_170675.3); short protein forms R161*, R174*, R86*.
Identifiers: ClinVar variation 489082 (VCV000489082.8), dbSNP rs1555471981, ClinGen allele CA391927966.